The following is an entry in ClinVar:

NM_000329.3(RPE65):c.*531A>G

Gene: RPE65 (retinoid isomerohydrolase RPE65; minus strand). Cytogenetic location: 1p31.3.
Variant type: single nucleotide variant.
Coding change: c.*531A>G on transcript NM_000329.3 (MANE Select); 531 bases downstream of the stop codon, A replaced by G.
Molecular consequence: 3 prime UTR variant.
Genome position (GRCh38, 1-based): chr1:68,429,245, T>C on the plus strand (A>G on the coding strand, the complement: RPE65 is on the minus strand). VCF-style: chr1-68429245-T-C. GRCh37 (hg19) VCF-style: chr1-68894928-T-C.
Identifiers: ClinVar variation 298015 (VCV000298015.6), dbSNP rs3118418, ClinGen allele CA10610713.

ClinVar aggregate classification (germline): Benign. Review status: criteria provided, multiple submitters, no conflicts (2 of 4 stars). 3 submissions from 2 submitters: Benign (3). Last evaluated 2018-01-12.

Conditions:
Retinitis pigmentosa (RP). Identifiers: Orphanet 791, MedGen C0035334, MeSH D012174, MONDO:0019200, OMIM 268000. Inheritance: Autosomal dominant, autosomal recessive and X linked inheritance.
Leber congenital amaurosis 2 (LCA2). Also called: Autosomal Recessive RPE65-Related Retinal Degeneration; AMAUROSIS CONGENITA OF LEBER II. Identifiers: Orphanet 65, MedGen C1859844, MONDO:0008765, OMIM 204100. Disease mechanism: loss of function.

Allele frequency attached by ClinVar (database versions not stated): gnomAD 0.18178 and 0.18328; TOPMed 0.18628; 1000 Genomes Project 0.19688; 1000 Genomes Project 30x 0.19847; gnomAD exomes 0.20196.
gnomAD v4.1: 28,216 of 154,528 alleles (18%); highest among the groups gnomAD compares: Admixed American, 24%; 2,712 homozygotes.

Submissions (3):

Illumina Laboratory Services, Illumina
Classification: Benign for Leber congenital amaurosis 2. Last evaluated: 2018-01-12. Review status: criteria provided, single submitter. Criteria: ICSL Variant Classification Criteria 13 December 2019. Collection method: clinical testing. Allele origin: germline.
Comment: This variant was observed in the ICSL laboratory as part of a predisposition screen in an ostensibly healthy population. It had not been previously curated by ICSL or reported in the Human Gene Mutation Database (HGMD: prior to June 1st, 2018), and was therefore a candidate for classification through an automated scoring system. Utilizing variant allele frequency, disease prevalence and penetrance estimates, and inheritance mode, an automated score was calculated to assess if this variant is too frequent to cause the disease. Based on the score and internal cut-off values, a variant classified as benign is not then subjected to further curation. The score for this variant resulted in a classification of benign for this disease.

Illumina Laboratory Services, Illumina
Classification: Benign for Retinitis pigmentosa. Last evaluated: 2018-01-12. Review status: criteria provided, single submitter. Criteria: ICSL Variant Classification Criteria 13 December 2019. Collection method: clinical testing. Allele origin: germline.
Comment: the same text as in the submission from Illumina Laboratory Services, Illumina above.

Breakthrough Genomics
Classification: Benign. Review status: criteria provided, single submitter. Criteria: ACMG Guidelines, 2015. Collection method: not provided. Allele origin: germline. Inheritance: Autosomal recessive inheritance. Affected: yes.